The following is an entry in ClinVar:

ClinVar aggregate classification (germline): Uncertain significance (1 of 4 stars; one submission).

Conditions:
Combined immunodeficiency due to STK4 deficiency (IMD110). Also called: STK4 DEFICIENCY; MST1 DEFICIENCY; T-cell immunodeficiency, recurrent infections, and autoimmunity with or without cardiac malformations. Identifiers: Orphanet 314689, MedGen C3553943, MONDO:0013934, OMIM 614868.

Submission:

Labcorp Genetics (formerly Invitae), Labcorp
Classification: Uncertain significance for Combined immunodeficiency due to STK4 deficiency. Last evaluated: 2022-09-19. Review status: criteria provided, single submitter. Criteria: Invitae Variant Classification Sherloc (09022015). Collection method: clinical testing. Allele origin: germline.
Comment: In summary, the available evidence is currently insufficient to determine the role of this variant in disease. Therefore, it has been classified as a Variant of Uncertain Significance. Advanced modeling of protein sequence and biophysical properties (such as structural, functional, and spatial information, amino acid conservation, physicochemical variation, residue mobility, and thermodynamic stability) performed at Invitae indicates that this missense variant is not expected to disrupt STK4 protein function. ClinVar contains an entry for this variant (Variation ID: 1478942). This variant has not been reported in the literature in individuals affected with STK4-related conditions. This variant is not present in population databases (gnomAD no frequency). This sequence change replaces glycine, which is neutral and non-polar, with aspartic acid, which is acidic and polar, at codon 417 of the STK4 protein (p.Gly417Asp).

NM_006282.5(STK4):c.1250G>A (p.Gly417Asp)

Gene: STK4 (serine/threonine kinase 4; plus strand). Cytogenetic location: 20q13.12.
Variant type: single nucleotide variant.
Coding change: c.1250G>A on transcript NM_006282.5 (MANE Select); coding-DNA position 1250, G replaced by A.
Protein change: p.Gly417Asp; replaces glycine 417 with aspartic acid.
Molecular consequence: missense variant.
Genome position (GRCh38, 1-based): chr20:45,025,075, G>A. VCF-style: chr20-45025075-G-A. GRCh37 (hg19) VCF-style: chr20-43653716-G-A.
Other names: c.1250G>A, p.Gly417Asp (NM_001352385.2); short protein forms G417D.
Identifiers: ClinVar variation 1478942 (VCV001478942.8), dbSNP rs1220711062, ClinGen allele CA409130154.